The following is an entry in ClinVar:

ClinVar aggregate classification (germline): Uncertain significance. Review status: criteria provided, multiple submitters, no conflicts (2 of 4 stars). 2 submissions from 2 submitters: Uncertain significance (2). Last evaluated 2026-08-06.

Conditions:
Inborn genetic diseases. Identifiers: MedGen C0950123, MeSH D030342.

gnomAD v4.1: 265 of 1,614,086 alleles (0.016%); highest among the groups gnomAD compares: African/African-American, 0.29%; no homozygotes.

Submissions (2):

OLLIN Analises Genomicas, OLLIN
Classification: Uncertain significance. Last evaluated: 2026-08-06. Review status: criteria provided, single submitter. Criteria: ACMG Guidelines 2015 PMID 25741868. Collection method: clinical testing. Allele origin: germline.
Comment: This missense variant, located in exon 13 (of 16), has been observed in gnomAD with an allele frequency of 0.016%, but has not been reported in ClinVar or identified in the literature. In silico analysis predicts that this variant has a tolerated effect. According to the currently available evidence, this variant has been classified as uncertain significance (PM2_P, BP4).

Ambry Genetics
Classification: Uncertain significance for Inborn genetic diseases. Last evaluated: 2025-08-29. Review status: criteria provided, single submitter. Criteria: Ambry Variant Classification Scheme 2023. Collection method: clinical testing. Allele origin: germline.

NM_177986.5(DSG4):c.2005C>T (p.Pro669Ser)

Genes: DSG1-AS1 (DSG1 antisense RNA 1; minus strand), DSG4 (desmoglein 4; plus strand). Cytogenetic location: 18q12.1.
Variant type: single nucleotide variant.
Coding change: c.2005C>T on transcript NM_177986.5 (MANE Select); coding-DNA position 2005, C replaced by T.
Protein change: p.Pro669Ser; replaces proline 669 with serine.
Molecular consequence: missense variant.
Genome position (GRCh38, 1-based): chr18:31,409,523, C>T. VCF-style: chr18-31409523-C-T. GRCh37 (hg19) VCF-style: chr18-28989486-C-T.
Other names: c.2005C>T, p.Pro669Ser (NM_001134453.3); short protein forms P669S.
Identifiers: ClinVar variation 4245082 (VCV004245082.2).
Genomic context (GRCh38, chr18:31,409,523, plus strand): 5'-TTGCTGCTCCTGTGTTGCTGCAAACAGAGACAGCCAGAAGGCCTGGGAACAAGATTTGCT[C>T]CTGTGCCTGAGGGCGGAGAAGGAGTGATGCAGTCTTGGAGAATTGAAGGGGCCCATCCCG-3'
Protein context (NP_817123.1, residues 659-679): QPEGLGTRFA[Pro669Ser]VPEGGEGVMQ